The following is an entry in ClinVar:

NM_000038.6(APC):c.87T>G (p.Asp29Glu)

Gene: APC (APC regulator of Wnt signaling pathway; plus strand). Cytogenetic location: 5q22.2.
Variant type: single nucleotide variant.
Coding change: c.87T>G on transcript NM_000038.6 (MANE Select); coding-DNA position 87, T replaced by G.
Protein change: p.Asp29Glu; replaces aspartic acid 29 with glutamic acid.
Molecular consequence: missense variant. On other transcripts: 5 prime UTR variant (1), intron variant (8).
Genome position (GRCh38, 1-based): chr5:112,754,977, T>G. VCF-style: chr5-112754977-T-G. GRCh37 (hg19) VCF-style: chr5-112090674-T-G.
Other names: c.87T>G, p.Asp29Glu (NM_001127510.3, NM_001354895.2, NM_001354896.2 and 2 more transcripts); c.-949T>G (NM_001354906.2); c.166-11349T>G (NM_001354897.2, NM_001354902.2, NM_001127511.3); c.61-11349T>G (NM_001354898.2, NM_001354904.2); c.-42-11349T>G (NM_001354900.2, NM_001354901.2, NM_001354905.2); short protein forms D29E.
Identifiers: ClinVar variation 571834 (VCV000571834.10), dbSNP rs1561444926, ClinGen allele CA16021530.

ClinVar aggregate classification (germline): Uncertain significance (1 of 4 stars; one submission).

Conditions:
Familial adenomatous polyposis 1 (FAP1). Also called: POLYPOSIS, ADENOMATOUS INTESTINAL; FAMILIAL ADENOMATOUS POLYPOSIS 1, ATTENUATED. Identifiers: MedGen C2713442, MONDO:0021056, OMIM 175100. Disease mechanism: loss of function.

Allele frequency attached by ClinVar (database versions not stated): gnomAD exomes below 0.00001.
gnomAD v4.1: 1 of 1,613,900 alleles (0.000062%); highest among the groups gnomAD compares: Middle Eastern, 0.017%; no homozygotes.

Submission:

Labcorp Genetics (formerly Invitae), Labcorp
Classification: Uncertain significance for Familial adenomatous polyposis 1. Last evaluated: 2022-11-06. Review status: criteria provided, single submitter. Criteria: Invitae Variant Classification Sherloc (09022015). Collection method: clinical testing. Allele origin: germline.
Comment: This sequence change replaces aspartic acid, which is acidic and polar, with glutamic acid, which is acidic and polar, at codon 29 of the APC protein (p.Asp29Glu). In summary, the available evidence is currently insufficient to determine the role of this variant in disease. Therefore, it has been classified as a Variant of Uncertain Significance. Advanced modeling of protein sequence and biophysical properties (such as structural, functional, and spatial information, amino acid conservation, physicochemical variation, residue mobility, and thermodynamic stability) performed at Invitae indicates that this missense variant is not expected to disrupt APC protein function. ClinVar contains an entry for this variant (Variation ID: 571834). This variant has not been reported in the literature in individuals affected with APC-related conditions. This variant is not present in population databases (gnomAD no frequency).